The following is an entry in ClinVar:

NM_001148.6(ANK2):c.10541C>T (p.Ser3514Leu)

Gene: ANK2 (ankyrin 2; plus strand). Cytogenetic location: 4q26.
Variant type: single nucleotide variant.
Coding change: c.10541C>T on transcript NM_001148.6 (MANE Select); coding-DNA position 10541, C replaced by T.
Protein change: p.Ser3514Leu; replaces serine 3514 with leucine.
Molecular consequence: missense variant. On other transcripts: intron variant (68).
Genome position (GRCh38, 1-based): chr4:113,359,159, C>T. VCF-style: chr4-113359159-C-T. GRCh37 (hg19) VCF-style: chr4-114280315-C-T.
Other names: c.4376-1664C>T (NM_001354254.2); c.4397-1664C>T (NM_001354239.2, NM_001354252.2); c.4298-1664C>T (NM_001354272.2); c.4361-1664C>T (NM_001354244.2, NM_001354256.2, NM_001386161.1); c.4400-1664C>T (NM_001127493.3); c.4364-1664C>T (NM_001386143.1, NM_001354243.2, NM_001354255.2); c.4142-1664C>T (NM_001386151.1, NM_001354260.2, NM_001354271.2); c.4043-1664C>T (NM_001386157.1, NM_001354277.2); and 35 more; short protein forms S2314L, S3436L, S3514L, S3553L, S3561L.
Identifiers: ClinVar variation 3603078 (VCV003603078.1).

ClinVar aggregate classification (germline): Uncertain significance (1 of 4 stars; one submission).

Submission:

GeneDx
Classification: Uncertain significance. Last evaluated: 2024-08-07. Review status: criteria provided, single submitter. Criteria: GeneDx Variant Classification Process June 2021. Collection method: clinical testing. Allele origin: germline. Affected: yes.
Comment: Not observed at significant frequency in large population cohorts (gnomAD); In silico analysis supports that this missense variant has a deleterious effect on protein structure/function; Has not been previously published as pathogenic or benign to our knowledge